The following is an entry in ClinVar:

NM_007294.4(BRCA1):c.5512G>C (p.Val1838Leu)

Gene: BRCA1 (BRCA1 DNA repair associated; minus strand). Cytogenetic location: 17q21.31.
Variant type: single nucleotide variant.
Coding change: c.5512G>C on transcript NM_007294.4 (MANE Select); coding-DNA position 5512, G replaced by C.
Protein change: p.Val1838Leu; replaces valine 1838 with leucine.
Molecular consequence: missense variant. On other transcripts: 3 prime UTR variant (1), non-coding transcript variant (1).
Genome position (GRCh38, 1-based): chr17:43,045,758, C>G on the plus strand (G>C on the coding strand, the complement: BRCA1 is on the minus strand). VCF-style: chr17-43045758-C-G. GRCh37 (hg19) VCF-style: chr17-41197775-C-G.
Other names: c.5512G>C, p.Val1838Leu (NM_001407602.1, NM_001407603.1, NM_001407605.1 and 5 more transcripts); c.5509G>C, p.Val1837Leu (NM_001407610.1, NM_001407611.1, NM_001407612.1 and 14 more transcripts); c.5500G>C, p.Val1834Leu (NM_001407646.1); c.5497G>C, p.Val1833Leu (NM_001407647.1); c.5455G>C, p.Val1819Leu (NM_001407648.1); c.5452G>C, p.Val1818Leu (NM_001407649.1); c.5434G>C, p.Val1812Leu (NM_001407652.1, NM_001407653.1, NM_001407654.1 and 1 more transcripts); c.5431G>C, p.Val1811Leu (NM_001407656.1, NM_001407657.1, NM_001407658.1); and 74 more; short protein forms V1791L, V734L, V1838L, V1859L, V1542L, V1684L, V1727L, V1748L.
Identifiers: ClinVar variation 869002 (VCV000869002.3), dbSNP rs730881501, ClinGen allele CA10590293.
Genomic context (GRCh38, chr17:43,045,758, plus strand): 5'-TCTGGGGTATCAGGTAGGTGTCCAGCTCCTGGCACTGGTAGAGTGCTACACTGTCCAACA[C>G]CCACTCTCGGGTCACCACAGGTGCCTCACACATCTGCCCAATTGCTGGAGACAGAGAACA-3'
Protein context (NP_009225.1, residues 1828-1848): CEAPVVTREW[Val1838Leu]LDSVALYQCQ

Conditions:
Breast-ovarian cancer, familial, susceptibility to, 1 (BROVCA1). Also called: BRCA1 Hereditary Breast and Ovarian Cancer; OVARIAN CANCER, SUSCEPTIBILITY TO. Identifiers: Orphanet 145, MedGen C2676676, MONDO:0011450, OMIM 604370. Disease mechanism: loss of function.

Submission:

Brotman Baty Institute, University of Washington
No classification provided (evidence only). Condition: Breast-ovarian cancer, familial 1. Review status: no classification provided. Collection method: in vitro. Allele origin: not applicable. Functional consequence: functionally_normal.
ClinVar note: "not provided" was previously submitted as the classification for the variant. However, the classification appeared to be based only on an observation of functional data so it was converted to no classification on 2025-07-30.